The following is an entry in ClinVar:

ClinVar aggregate classification (germline): Uncertain significance. Review status: criteria provided, multiple submitters, no conflicts (2 of 4 stars). 2 submissions from 2 submitters: Uncertain significance (2). Last evaluated 2023-07-07.

Allele frequency attached by ClinVar (database versions not stated): gnomAD 0.00001; gnomAD exomes 0.00001.
gnomAD v4.1: 17 of 1,613,966 alleles (0.0011%); highest among the groups gnomAD compares: Non-Finnish European, 0.0014%; no homozygotes.

Submissions (2):

Labcorp Genetics (formerly Invitae), Labcorp
Classification: Uncertain significance. Last evaluated: 2023-07-07. Review status: criteria provided, single submitter. Criteria: Invitae Variant Classification Sherloc (09022015). Collection method: clinical testing. Allele origin: germline.
Comment: This sequence change replaces glutamic acid, which is acidic and polar, with valine, which is neutral and non-polar, at codon 1219 of the SNRNP200 protein (p.Glu1219Val). This variant is present in population databases (no rsID available, gnomAD 0.0009%). This variant has not been reported in the literature in individuals affected with SNRNP200-related conditions. Advanced modeling of protein sequence and biophysical properties (such as structural, functional, and spatial information, amino acid conservation, physicochemical variation, residue mobility, and thermodynamic stability) performed at Invitae indicates that this missense variant is not expected to disrupt SNRNP200 protein function. In summary, the available evidence is currently insufficient to determine the role of this variant in disease. Therefore, it has been classified as a Variant of Uncertain Significance.

Blueprint Genetics
Classification: Uncertain significance. Last evaluated: 2022-09-16. Review status: criteria provided, single submitter. Criteria: ACMG Guidelines, 2015. Collection method: clinical testing. Allele origin: germline.

NM_014014.5(SNRNP200):c.3656A>T (p.Glu1219Val)

Gene: SNRNP200 (small nuclear ribonucleoprotein U5 subunit 200; minus strand). Cytogenetic location: 2q11.2.
Variant type: single nucleotide variant.
Coding change: c.3656A>T on transcript NM_014014.5 (MANE Select); coding-DNA position 3656, A replaced by T.
Protein change: p.Glu1219Val; replaces glutamic acid 1219 with valine.
Molecular consequence: missense variant.
Genome position (GRCh38, 1-based): chr2:96,286,861, T>A on the plus strand (A>T on the coding strand, the complement: SNRNP200 is on the minus strand). VCF-style: chr2-96286861-T-A. GRCh37 (hg19) VCF-style: chr2-96952599-T-A.
Other names: short protein forms E1219V.
Identifiers: ClinVar variation 2981068 (VCV002981068.4), dbSNP rs1252399997, ClinGen allele CA347671858.